The following is an entry in ClinVar:

NM_001122681.2(SH3BP2):c.1132G>T (p.Val378Leu)

Gene: SH3BP2 (SH3 domain binding protein 2; plus strand). Cytogenetic location: 4p16.3.
Variant type: single nucleotide variant.
Coding change: c.1132G>T on transcript NM_001122681.2 (MANE Select); coding-DNA position 1132, G replaced by T.
Protein change: p.Val378Leu; replaces valine 378 with leucine.
Molecular consequence: missense variant.
Genome position (GRCh38, 1-based): chr4:2,830,038, G>T. VCF-style: chr4-2830038-G-T. GRCh37 (hg19) VCF-style: chr4-2831765-G-T.
Other names: c.1216G>T, p.Val406Leu (NM_001145855.2); c.1303G>T, p.Val435Leu (NM_001145856.2); c.1132G>T, p.Val378Leu (NM_003023.4); short protein forms V378L, V435L, V406L.
Identifiers: ClinVar variation 947994 (VCV000947994.10), dbSNP rs1724896293, ClinGen allele CA356057222.

ClinVar aggregate classification (germline): Uncertain significance. Review status: criteria provided, multiple submitters, no conflicts (2 of 4 stars). 2 submissions from 2 submitters: Uncertain significance (2). Last evaluated 2024-09-11.

Conditions:
Fibrous dysplasia of jaw (CRBM). Also called: Cherubism. Identifiers: Orphanet 184, MedGen C0008029, MONDO:0007315, OMIM 118400.
Inborn genetic diseases. Identifiers: MedGen C0950123, MeSH D030342.

Allele frequency attached by ClinVar (database versions not stated): TOPMed below 0.00001.

Submissions (2):

Ambry Genetics
Classification: Uncertain significance for Inborn genetic diseases. Last evaluated: 2024-09-11. Review status: criteria provided, single submitter. Criteria: Ambry Variant Classification Scheme 2023. Collection method: clinical testing. Allele origin: germline.

Labcorp Genetics (formerly Invitae), Labcorp
Classification: Uncertain significance for Fibrous dysplasia of jaw. Last evaluated: 2023-12-28. Review status: criteria provided, single submitter. Criteria: Invitae Variant Classification Sherloc (09022015). Collection method: clinical testing. Allele origin: germline.
Comment: This sequence change replaces valine, which is neutral and non-polar, with leucine, which is neutral and non-polar, at codon 378 of the SH3BP2 protein (p.Val378Leu). This variant is not present in population databases (gnomAD no frequency). This variant has not been reported in the literature in individuals affected with SH3BP2-related conditions. ClinVar contains an entry for this variant (Variation ID: 947994). Advanced modeling of protein sequence and biophysical properties (such as structural, functional, and spatial information, amino acid conservation, physicochemical variation, residue mobility, and thermodynamic stability) performed at Invitae indicates that this missense variant is not expected to disrupt SH3BP2 protein function with a negative predictive value of 95%. In summary, the available evidence is currently insufficient to determine the role of this variant in disease. Therefore, it has been classified as a Variant of Uncertain Significance.